The following is an entry in ClinVar:

NM_002242.4(KCNJ13):c.7A>G (p.Ser3Gly)

Genes: GIGYF2 (GRB10 interacting GYF protein 2; plus strand), KCNJ13 (potassium inwardly rectifying channel subfamily J member 13; minus strand). Cytogenetic location: 2q37.1.
Variant type: single nucleotide variant.
Coding change: c.7A>G on transcript NM_002242.4 (MANE Select); coding-DNA position 7, A replaced by G.
Protein change: p.Ser3Gly; replaces serine 3 with glycine.
Molecular consequence: missense variant. On other transcripts: intron variant (5).
Genome position (GRCh38, 1-based): chr2:232,771,356, T>C on the plus strand (A>G on the coding strand, the complement: KCNJ13 is on the minus strand). VCF-style: chr2-232771356-T-C. GRCh37 (hg19) VCF-style: chr2-233636066-T-C.
Other names: c.7A>G, p.Ser3Gly (NM_001172416.1); c.532+9920T>C (NM_001103146.3, NM_015575.4, NM_001103148.2); c.533-5056T>C (NM_001103147.2); c.-23-211A>G (NM_001172417.1); short protein forms S3G.
Identifiers: ClinVar variation 2198617 (VCV002198617.4), dbSNP rs1386527753, ClinGen allele CA351014531.

ClinVar aggregate classification (germline): Uncertain significance (1 of 4 stars; one submission).

Allele frequency attached by ClinVar (database versions not stated): gnomAD 0.00001; gnomAD exomes 0.00002; TOPMed 0.00002.
gnomAD v4.1: 24 of 1,609,824 alleles (0.0015%); highest among the groups gnomAD compares: Non-Finnish European, 0.002%; no homozygotes.

Submission:

Labcorp Genetics (formerly Invitae), Labcorp
Classification: Uncertain significance. Last evaluated: 2023-12-27. Review status: criteria provided, single submitter. Criteria: Invitae Variant Classification Sherloc (09022015). Collection method: clinical testing. Allele origin: germline.
Comment: This sequence change replaces serine, which is neutral and polar, with glycine, which is neutral and non-polar, at codon 3 of the KCNJ13 protein (p.Ser3Gly). This variant is not present in population databases (gnomAD no frequency). This variant has not been reported in the literature in individuals affected with KCNJ13-related conditions. ClinVar contains an entry for this variant (Variation ID: 2198617). Algorithms developed to predict the effect of missense changes on protein structure and function output the following: SIFT: "Not Available"; PolyPhen-2: "Benign"; Align-GVGD: "Not Available". The glycine amino acid residue is found in multiple mammalian species, which suggests that this missense change does not adversely affect protein function. In summary, the available evidence is currently insufficient to determine the role of this variant in disease. Therefore, it has been classified as a Variant of Uncertain Significance.